The following is an entry in ClinVar:

NM_000071.3(CBS):c.-6C>A

Gene: CBS (cystathionine beta-synthase; minus strand). Cytogenetic location: 21q22.3.
Variant type: single nucleotide variant.
Coding change: c.-6C>A on transcript NM_000071.3 (MANE Select); 6 bases upstream of the start codon, C replaced by A.
Molecular consequence: 5 prime UTR variant.
Genome position (GRCh38, 1-based): chr21:43,072,199, G>T on the plus strand (C>A on the coding strand, the complement: CBS is on the minus strand). VCF-style: chr21-43072199-G-T. GRCh37 (hg19) VCF-style: chr21-44492309-G-T.
Other names: c.-6C>A (NM_001178008.3, NM_001178009.3, NM_001320298.2).
Identifiers: ClinVar variation 668166 (VCV000668166.1), dbSNP rs1601384805, ClinGen allele CA915952624.

ClinVar aggregate classification (germline): Likely benign (1 of 4 stars; one submission).

Submission:

GeneDx
Classification: Likely benign. Last evaluated: 2018-05-07. Review status: criteria provided, single submitter. Criteria: GeneDx Variant Classification (06012015). Collection method: clinical testing. Allele origin: germline. Affected: yes.
Comment: This variant is considered likely benign or benign based on one or more of the following criteria: it is a conservative change, it occurs at a poorly conserved position in the protein, it is predicted to be benign by multiple in silico algorithms, and/or has population frequency not consistent with disease.